The following is an entry in ClinVar:

ClinVar aggregate classification (germline): Uncertain significance. Review status: criteria provided, multiple submitters, no conflicts (2 of 4 stars). 2 submissions from 2 submitters: Uncertain significance (2). Last evaluated 2025-12-11.

Allele frequency attached by ClinVar (database versions not stated): ExAC 0.00001; gnomAD 0.00001; gnomAD exomes 0.00002.

Submissions (2):

Ambry Genetics
Classification: Uncertain significance. Last evaluated: 2025-12-11. Review status: criteria provided, single submitter. Criteria: Ambry Variant Classification Scheme 2023. Collection method: clinical testing. Allele origin: germline.

Labcorp Genetics (formerly Invitae), Labcorp
Classification: Uncertain significance. Last evaluated: 2025-06-27. Review status: criteria provided, single submitter. Criteria: Invitae Variant Classification Sherloc (09022015). Collection method: clinical testing. Allele origin: germline.
Comment: This sequence change replaces arginine, which is basic and polar, with glutamine, which is neutral and polar, at codon 502 of the LZTS1 protein (p.Arg502Gln). This variant is present in population databases (rs753024731, gnomAD 0.003%). This variant has not been reported in the literature in individuals affected with LZTS1-related conditions. ClinVar contains an entry for this variant (Variation ID: 1947768). Invitae Evidence Modeling of protein sequence and biophysical properties (such as structural, functional, and spatial information, amino acid conservation, physicochemical variation, residue mobility, and thermodynamic stability) indicates that this missense variant is not expected to disrupt LZTS1 protein function with a negative predictive value of 80%. In summary, the available evidence is currently insufficient to determine the role of this variant in disease. Therefore, it has been classified as a Variant of Uncertain Significance.

NM_021020.5(LZTS1):c.1505G>A (p.Arg502Gln)

Gene: LZTS1 (leucine zipper tumor suppressor 1; minus strand). Cytogenetic location: 8p21.3.
Variant type: single nucleotide variant.
Coding change: c.1505G>A on transcript NM_021020.5 (MANE Select); coding-DNA position 1505, G replaced by A.
Protein change: p.Arg502Gln; replaces arginine 502 with glutamine.
Molecular consequence: missense variant.
Genome position (GRCh38, 1-based): chr8:20,250,008, C>T on the plus strand (G>A on the coding strand, the complement: LZTS1 is on the minus strand). VCF-style: chr8-20250008-C-T. GRCh37 (hg19) VCF-style: chr8-20107519-C-T.
Other names: c.1505G>A, p.Arg502Gln (NM_001362884.2); c.1505G>A (NM_021020.2); short protein forms R502Q.
Identifiers: ClinVar variation 1947768 (VCV001947768.6), dbSNP rs753024731, ClinGen allele CA4657255.
Genomic context (GRCh38, chr8:20,250,008, plus strand): 5'-GACATCTGGTCATGGCCTTGCCGCTCCTCCCGCAGCTCGGCCCGCAGCCGCTCCAGCTCC[C>T]GCTGCAGGGCAGGGACGTCCTCGGGGAAGGTGGGCGGCCCCATGTCGCGGGCCAGGGCGG-3'
Protein context (NP_066300.1, residues 492-512): TFPEDVPALQ[Arg502Gln]ELERLRAELR